The following is an entry in ClinVar:

ClinVar aggregate classification (germline): Likely benign (0 of 4 stars; one submission).

Conditions:
GAA-related disorder. Also called: GAA-related condition.

Submission:

PreventionGenetics, part of Exact Sciences
Classification: Likely benign for GAA-related condition. Last evaluated: 2020-08-25. Review status: no assertion criteria provided. Collection method: clinical testing. Allele origin: germline.
Comment: This variant is classified as likely benign based on ACMG/AMP sequence variant interpretation guidelines (Richards et al. 2015 PMID: 25741868, with internal and published modifications).

NM_000152.5(GAA):c.1888+8C>G

Gene: GAA (alpha glucosidase; plus strand). Cytogenetic location: 17q25.3.
Variant type: single nucleotide variant.
Coding change: c.1888+8C>G on transcript NM_000152.5 (MANE Select); 8 bases into the intron after coding-DNA position 1888, C replaced by G.
Molecular consequence: intron variant.
Genome position (GRCh38, 1-based): chr17:80,112,719, C>G. VCF-style: chr17-80112719-C-G. GRCh37 (hg19) VCF-style: chr17-78086518-C-G.
Other names: c.1888+8C>G (NM_001406741.1, NM_001406742.1, NM_001079803.3 and 1 more transcripts).
Identifiers: ClinVar variation 3054203 (VCV003054203.2), dbSNP rs772887194, ClinGen allele CA2576414176.